The following is an entry in ClinVar:

NM_006343.3(MERTK):c.2195G>A (p.Arg732Gln)

Gene: MERTK (MER proto-oncogene, tyrosine kinase; plus strand). Cytogenetic location: 2q13.
Variant type: single nucleotide variant.
Coding change: c.2195G>A on transcript NM_006343.3 (MANE Select); coding-DNA position 2195, G replaced by A.
Protein change: p.Arg732Gln; replaces arginine 732 with glutamine.
Molecular consequence: missense variant.
Genome position (GRCh38, 1-based): chr2:112,021,427, G>A. VCF-style: chr2-112021427-G-A. GRCh37 (hg19) VCF-style: chr2-112779004-G-A.
Other names: short protein forms R732Q.
Identifiers: ClinVar variation 858332 (VCV000858332.6), dbSNP rs201621067, ClinGen allele CA1831771.
Genomic context (GRCh38, chr2:112,021,427, plus strand): 5'-AGTAATTTAAGGCATTGCCTCTGACGCTGCTGAAGACGTAACCTGCTCTCTGTAGGTTGC[G>A]AGATGACATGACTGTCTGTGTTGCGGACTTCGGCCTCTCTAAGAAGATTTACAGTGGCGA-3'
Protein context (NP_006334.2, residues 722-742): RDLAARNCML[Arg732Gln]DDMTVCVADF

ClinVar aggregate classification (germline): Uncertain significance. Review status: criteria provided, multiple submitters, no conflicts (2 of 4 stars). 2 submissions from 2 submitters: Uncertain significance (2). Last evaluated 2024-11-07.

Allele frequency attached by ClinVar (database versions not stated): ExAC 0.00004; gnomAD exomes 0.00004; gnomAD 0.00013 and 0.00014; TOPMed 0.00017.
gnomAD v4.1: 72 of 1,613,112 alleles (0.0045%); highest among the groups gnomAD compares: Admixed American, 0.018%; no homozygotes.

Submissions (2):

Blueprint Genetics
Classification: Uncertain significance. Last evaluated: 2024-11-07. Review status: criteria provided, single submitter. Criteria: ACMG Guidelines, 2015. Collection method: clinical testing. Allele origin: germline.

Labcorp Genetics (formerly Invitae), Labcorp
Classification: Uncertain significance. Last evaluated: 2022-09-06. Review status: criteria provided, single submitter. Criteria: Invitae Variant Classification Sherloc (09022015). Collection method: clinical testing. Allele origin: germline.
Comment: This sequence change replaces arginine, which is basic and polar, with glutamine, which is neutral and polar, at codon 732 of the MERTK protein (p.Arg732Gln). This variant is present in population databases (rs201621067, gnomAD 0.01%). This variant has not been reported in the literature in individuals affected with MERTK-related conditions. ClinVar contains an entry for this variant (Variation ID: 858332). Algorithms developed to predict the effect of missense changes on protein structure and function (SIFT, PolyPhen-2, Align-GVGD) all suggest that this variant is likely to be disruptive. In summary, the available evidence is currently insufficient to determine the role of this variant in disease. Therefore, it has been classified as a Variant of Uncertain Significance.